The following is an entry in ClinVar:

NM_198173.3(GRHL3):c.926C>T (p.Thr309Ile)

Gene: GRHL3 (grainyhead like transcription factor 3; plus strand). Cytogenetic location: 1p36.11.
Variant type: single nucleotide variant.
Coding change: c.926C>T on transcript NM_198173.3 (MANE Select); coding-DNA position 926, C replaced by T.
Protein change: p.Thr309Ile; replaces threonine 309 with isoleucine.
Molecular consequence: missense variant.
Genome position (GRCh38, 1-based): chr1:24,338,077, C>T. VCF-style: chr1-24338077-C-T. GRCh37 (hg19) VCF-style: chr1-24664567-C-T.
Other names: c.788C>T, p.Thr263Ile (NM_001195010.2); c.941C>T, p.Thr314Ile (NM_021180.4); c.926C>T, p.Thr309Ile (NM_198174.3); short protein forms T263I, T309I, T314I.
Identifiers: ClinVar variation 4976573 (VCV004976573.1).

ClinVar aggregate classification (germline): Uncertain significance (1 of 4 stars; one submission).

Submission:

GeneDx
Classification: Uncertain significance. Last evaluated: 2026-02-10. Review status: criteria provided, single submitter. Criteria: GeneDx Variant Classification Process June 2021. Collection method: clinical testing. Allele origin: germline.
Comment: Not observed at significant frequency in large population cohorts (gnomAD); In silico analysis supports that this missense variant has a deleterious effect on protein structure/function; Has not been previously published as pathogenic or benign to our knowledge